The following is an entry in ClinVar:

NM_001457.4(FLNB):c.1763G>A (p.Gly588Asp)

Gene: FLNB (filamin B; plus strand). Cytogenetic location: 3p14.3.
Variant type: single nucleotide variant.
Coding change: c.1763G>A on transcript NM_001457.4 (MANE Select); coding-DNA position 1763, G replaced by A.
Protein change: p.Gly588Asp; replaces glycine 588 with aspartic acid.
Molecular consequence: missense variant.
Genome position (GRCh38, 1-based): chr3:58,106,695, G>A. VCF-style: chr3-58106695-G-A. GRCh37 (hg19) VCF-style: chr3-58092422-G-A.
Other names: c.1763G>A, p.Gly588Asp (NM_001164317.2, NM_001164318.2, NM_001164319.2); short protein forms G588D.
Identifiers: ClinVar variation 4801688 (VCV004801688.1).

ClinVar aggregate classification (germline): Uncertain significance (1 of 4 stars; one submission).

Submission:

Labcorp Genetics (formerly Invitae), Labcorp
Classification: Uncertain significance. Last evaluated: 2025-09-25. Review status: criteria provided, single submitter. Criteria: Invitae Variant Classification Sherloc (09022015). Collection method: clinical testing. Allele origin: germline.
Comment: This sequence change replaces glycine, which is neutral and non-polar, with aspartic acid, which is acidic and polar, at codon 588 of the FLNB protein (p.Gly588Asp). This variant is not present in population databases (gnomAD no frequency). This variant has not been reported in the literature in individuals affected with FLNB-related conditions. Invitae Evidence Modeling of protein sequence and biophysical properties (such as structural, functional, and spatial information, amino acid conservation, physicochemical variation, residue mobility, and thermodynamic stability) indicates that this missense variant is expected to disrupt FLNB protein function with a positive predictive value of 95%. In summary, the available evidence is currently insufficient to determine the role of this variant in disease. Therefore, it has been classified as a Variant of Uncertain Significance.